The following is an entry in ClinVar:

NM_001371986.1(UNC80):c.706A>C (p.Ile236Leu)

Gene: UNC80 (unc-80 subunit of NALCN channel complex; plus strand). Cytogenetic location: 2q34.
Variant type: single nucleotide variant.
Coding change: c.706A>C on transcript NM_001371986.1 (MANE Select); coding-DNA position 706, A replaced by C.
Protein change: p.Ile236Leu; replaces isoleucine 236 with leucine.
Molecular consequence: missense variant.
Genome position (GRCh38, 1-based): chr2:209,786,171, A>C. VCF-style: chr2-209786171-A-C. GRCh37 (hg19) VCF-style: chr2-210650895-A-C.
Other names: c.706A>C, p.Ile236Leu (NM_032504.2, NM_182587.4); short protein forms I236L.
Identifiers: ClinVar variation 1398588 (VCV001398588.6), dbSNP rs780070251, ClinGen allele CA2082812.

ClinVar aggregate classification (germline): Uncertain significance (1 of 4 stars; one submission).

Allele frequency attached by ClinVar (database versions not stated): ExAC 0.00001; gnomAD 0.00001; gnomAD exomes 0.00001.
gnomAD v4.1: 5 of 1,613,664 alleles (0.00031%); no homozygotes.

Submission:

Labcorp Genetics (formerly Invitae), Labcorp
Classification: Uncertain significance. Last evaluated: 2024-10-21. Review status: criteria provided, single submitter. Criteria: Invitae Variant Classification Sherloc (09022015). Collection method: clinical testing. Allele origin: germline.
Comment: This sequence change replaces isoleucine, which is neutral and non-polar, with leucine, which is neutral and non-polar, at codon 236 of the UNC80 protein (p.Ile236Leu). This variant is present in population databases (rs780070251, gnomAD 0.04%). This variant has not been reported in the literature in individuals affected with UNC80-related conditions. ClinVar contains an entry for this variant (Variation ID: 1398588). An algorithm developed to predict the effect of missense changes on protein structure and function outputs the following: PolyPhen-2: "Benign". The leucine amino acid residue is found in multiple mammalian species, which suggests that this missense change does not adversely affect protein function. In summary, the available evidence is currently insufficient to determine the role of this variant in disease. Therefore, it has been classified as a Variant of Uncertain Significance.